The following is an entry in ClinVar:

NM_000070.3(CAPN3):c.1105T>C (p.Trp369Arg)

Gene: CAPN3 (calpain 3; plus strand). Cytogenetic location: 15q15.1.
Variant type: single nucleotide variant.
Coding change: c.1105T>C on transcript NM_000070.3 (MANE Select); coding-DNA position 1105, T replaced by C.
Protein change: p.Trp369Arg; replaces tryptophan 369 with arginine.
Molecular consequence: missense variant.
Genome position (GRCh38, 1-based): chr15:42,394,331, T>C. VCF-style: chr15-42394331-T-C. GRCh37 (hg19) VCF-style: chr15-42686529-T-C.
Other names: c.1105T>C, p.Trp369Arg (NM_024344.2); c.961T>C, p.Trp321Arg (NM_173087.2); short protein forms W369R, W321R.
Identifiers: ClinVar variation 5005398 (VCV005005398.2).

ClinVar aggregate classification (germline): Uncertain significance (1 of 4 stars; one submission).

Conditions:
Muscular dystrophy, limb-girdle, autosomal dominant 4. Also called: MUSCULAR DYSTROPHY, LIMB-GIRDLE, TYPE 1I; Calpain-3-related limb-girdle muscular dystrophy D4. Identifiers: Orphanet 565909, MedGen C4748295, MONDO:0029133, OMIM 618129.
Autosomal recessive limb-girdle muscular dystrophy type 2A (LGMDR1). Also called: Limb-girdle muscular dystrophy, type 2A; Muscular dystrophy, limb-girdle, type 2A, Amish; Calpainopathy; LEYDEN-MOEBIUS MUSCULAR DYSTROPHY; MUSCULAR DYSTROPHY, PELVOFEMORAL. Identifiers: Orphanet 267, MedGen C1869123, MONDO:0009675, OMIM 253600. Disease mechanism: loss of function.

Submission:

Juno Genomics, Hangzhou Juno Genomics, Inc
Classification: Uncertain significance for Muscular dystrophy, limb-girdle, autosomal dominant 4; Autosomal recessive limb-girdle muscular dystrophy type 2A. Review status: criteria provided, single submitter. Criteria: ACMG Guidelines, 2015. Collection method: clinical testing. Allele origin: germline.
Comment: Absent from controls (or at extremely low frequency if recessive) in Genome Aggregation Database.;Multiple lines of computational evidence support a deleterious effect on the gene or gene product.